The following is an entry in ClinVar:

ClinVar aggregate classification (germline): Uncertain significance. Review status: criteria provided, single submitter (1 of 4 stars). 2 submissions from 2 submitters: Uncertain significance (1). 1 of the submissions does not count toward it. Last evaluated 2022-05-05.

Conditions:
EBV-positive nodal T- and NK-cell lymphoma.
Noonan syndrome 9 (NS9). Identifiers: Orphanet 648, MedGen C4225282, MONDO:0014691, OMIM 616559.

Allele frequency attached by ClinVar (database versions not stated): gnomAD exomes 0.00001; ExAC 0.00003.
gnomAD v4.1: 17 of 1,610,784 alleles (0.0011%); highest among the groups gnomAD compares: South Asian, 0.011%; no homozygotes.

Submissions (2):

Labcorp Genetics (formerly Invitae), Labcorp
Classification: Uncertain significance for Noonan syndrome 9. Last evaluated: 2022-05-05. Review status: criteria provided, single submitter. Criteria: Invitae Variant Classification Sherloc (09022015). Collection method: clinical testing. Allele origin: germline.
Comment: In summary, the available evidence is currently insufficient to determine the role of this variant in disease. Therefore, it has been classified as a Variant of Uncertain Significance. Algorithms developed to predict the effect of missense changes on protein structure and function are either unavailable or do not agree on the potential impact of this missense change (SIFT: "Tolerated"; PolyPhen-2: "Probably Damaging"; Align-GVGD: "Class C0"). This variant has not been reported in the literature in individuals affected with SOS2-related conditions. This variant is present in population databases (rs755580745, gnomAD 0.01%). This sequence change replaces arginine, which is basic and polar, with histidine, which is basic and polar, at codon 339 of the SOS2 protein (p.Arg339His).

Department of Clinical Pathology, School of Medicine, Fujita Health University
Classification: Likely benign for EBV-positive nodal T- and NK-cell lymphoma. Review status: no assertion criteria provided. Collection method: research. Allele origin: unknown. Affected: yes. Not counted in ClinVar's aggregate classification.

NM_006939.4(SOS2):c.1016G>A (p.Arg339His)

Gene: SOS2 (SOS Ras/Rho guanine nucleotide exchange factor 2; minus strand). Cytogenetic location: 14q21.3.
Variant type: single nucleotide variant.
Coding change: c.1016G>A on transcript NM_006939.4 (MANE Select); coding-DNA position 1016, G replaced by A.
Protein change: p.Arg339His; replaces arginine 339 with histidine.
Molecular consequence: missense variant. On other transcripts: intron variant (1).
Genome position (GRCh38, 1-based): chr14:50,174,506, C>T on the plus strand (G>A on the coding strand, the complement: SOS2 is on the minus strand). VCF-style: chr14-50174506-C-T. GRCh37 (hg19) VCF-style: chr14-50641224-C-T.
Other names: c.969+6066G>A (NM_001411020.1); short protein forms R339H.
Identifiers: ClinVar variation 2196130 (VCV002196130.5), dbSNP rs755580745, ClinGen allele CA7177365.
Genomic context (GRCh38, chr14:50,174,506, plus strand): 5'-AACCTTACCTTTAGTAACTCAAAGTAGTGCCAACAGTGATACACTGGCACCAGCATAAGA[C>T]GTGGAAGGACATAACGAACTGCCTCTTTAAAACCATCAGCAATGGACTGCAAAGCAAAAA-3'
Protein context (NP_008870.2, residues 329-349): FKEAVRYVLP[Arg339His]LMLVPVYHCW